The following is an entry in ClinVar:

ClinVar aggregate classification (germline): Uncertain significance (1 of 4 stars; one submission).

Submission:

GeneDx
Classification: Uncertain significance. Last evaluated: 2024-11-25. Review status: criteria provided, single submitter. Criteria: GeneDx Variant Classification Process June 2021. Collection method: clinical testing. Allele origin: germline. Affected: yes.
Comment: Not observed at significant frequency in large population cohorts (gnomAD); In silico analysis supports that this missense variant has a deleterious effect on protein structure/function; Has not been previously published as pathogenic or benign to our knowledge

NM_005121.3(MED13):c.2372A>G (p.Glu791Gly)

Gene: MED13 (mediator complex subunit 13; minus strand). Cytogenetic location: 17q23.2.
Variant type: single nucleotide variant.
Coding change: c.2372A>G on transcript NM_005121.3 (MANE Select); coding-DNA position 2372, A replaced by G.
Protein change: p.Glu791Gly; replaces glutamic acid 791 with glycine.
Molecular consequence: missense variant.
Genome position (GRCh38, 1-based): chr17:61,987,020, T>C on the plus strand (A>G on the coding strand, the complement: MED13 is on the minus strand). VCF-style: chr17-61987020-T-C. GRCh37 (hg19) VCF-style: chr17-60064381-T-C.
Other names: short protein forms E791G.
Identifiers: ClinVar variation 3900594 (VCV003900594.1).
Genomic context (GRCh38, chr17:61,987,020, plus strand): 5'-AATCAAGGAAAACAAATTATAATCCTATTCATTAATGAGATACTCACTGTTAGTTCATCT[T>C]CATCAGAATTGAAGAGATTATCAAGGTCAGTATAAGAGACAGCCAGGTCTGAGTCATAAA-3'
Protein context (NP_005112.2, residues 781-801): TDLDNLFNSD[Glu791Gly]DELTPGSKKS